The following is an entry in ClinVar:

NM_014244.5(ADAMTS2):c.1476C>A (p.Cys492Ter)

Gene: ADAMTS2 (ADAM metallopeptidase with thrombospondin type 1 motif 2; minus strand). Cytogenetic location: 5q35.3.
Variant type: single nucleotide variant.
Coding change: c.1476C>A on transcript NM_014244.5 (MANE Select); coding-DNA position 1476, C replaced by A.
Protein change: p.Cys492Ter; replaces cysteine 492 with a stop codon.
Molecular consequence: nonsense.
Genome position (GRCh38, 1-based): chr5:179,153,530, G>T on the plus strand (C>A on the coding strand, the complement: ADAMTS2 is on the minus strand). VCF-style: chr5-179153530-G-T. GRCh37 (hg19) VCF-style: chr5-178580531-G-T.
Other names: c.1476C>A, p.Cys492Ter (NM_021599.4); short protein forms C492*.
Identifiers: ClinVar variation 2090934 (VCV002090934.4), dbSNP rs2480240157, ClinGen allele CA362432405.

ClinVar aggregate classification (germline): Pathogenic (1 of 4 stars; one submission).

Conditions:
Ehlers-Danlos syndrome, dermatosparaxis type. Also called: EDS VIIC; Ehlers-Danlos syndrome, type VII, autosomal recessive; Dermatosparaxis. Identifiers: Orphanet 1901, MedGen C2700425, MONDO:0009161, OMIM 225410.

Submission:

Labcorp Genetics (formerly Invitae), Labcorp
Classification: Pathogenic for Ehlers-Danlos syndrome, dermatosparaxis type. Last evaluated: 2022-01-28. Review status: criteria provided, single submitter. Criteria: Invitae Variant Classification Sherloc (09022015). Collection method: clinical testing. Allele origin: germline.
Comment: This sequence change creates a premature translational stop signal (p.Cys492*) in the ADAMTS2 gene. It is expected to result in an absent or disrupted protein product. Loss-of-function variants in ADAMTS2 are known to be pathogenic (PMID: 10417273). This variant is not present in population databases (gnomAD no frequency). This variant has not been reported in the literature in individuals affected with ADAMTS2-related conditions. For these reasons, this variant has been classified as Pathogenic.

Literature cited by the submitters: PubMed 10417273.